The following is an entry in ClinVar:

ClinVar aggregate classification (germline): Uncertain significance (1 of 4 stars; one submission).

Conditions:
Bethlem myopathy 1A. Also called: MYOPATHY, BENIGN CONGENITAL, WITH CONTRACTURES; Bethlem myopathy 1; Bethlem Muscular Dystrophy. Identifiers: Orphanet 610, MedGen CN029274, MONDO:0024530, OMIM 158810.

Submission:

Labcorp Genetics (formerly Invitae), Labcorp
Classification: Uncertain significance for Bethlem myopathy 1A. Last evaluated: 2021-07-26. Review status: criteria provided, single submitter. Criteria: Invitae Variant Classification Sherloc (09022015). Collection method: clinical testing. Allele origin: germline.
Comment: Advanced modeling of protein sequence and biophysical properties (such as structural, functional, and spatial information, amino acid conservation, physicochemical variation, residue mobility, and thermodynamic stability) performed at Invitae indicates that this missense variant is not expected to disrupt COL6A1 protein function. In summary, the available evidence is currently insufficient to determine the role of this variant in disease. Therefore, it has been classified as a Variant of Uncertain Significance. This variant has not been reported in the literature in individuals affected with COL6A1-related conditions. This variant is not present in population databases (ExAC no frequency). This sequence change replaces histidine with tyrosine at codon 195 of the COL6A1 protein (p.His195Tyr). The histidine residue is moderately conserved and there is a moderate physicochemical difference between histidine and tyrosine.

NM_001848.3(COL6A1):c.583C>T (p.His195Tyr)

Gene: COL6A1 (collagen type VI alpha 1 chain; plus strand). Cytogenetic location: 21q22.3.
Variant type: single nucleotide variant.
Coding change: c.583C>T on transcript NM_001848.3 (MANE Select); coding-DNA position 583, C replaced by T.
Protein change: p.His195Tyr; replaces histidine 195 with tyrosine.
Molecular consequence: missense variant.
Genome position (GRCh38, 1-based): chr21:45,986,680, C>T. VCF-style: chr21-45986680-C-T. GRCh37 (hg19) VCF-style: chr21-47406594-C-T.
Other names: short protein forms H195Y.
Identifiers: ClinVar variation 1521523 (VCV001521523.8), dbSNP rs2077740811, ClinGen allele CA410518295.